The following is an entry in ClinVar:

NM_003622.4(PPFIBP1):c.1417_1427del (p.Ala473fs)

Gene: PPFIBP1 (PPFIB scaffold protein 1; plus strand). Cytogenetic location: 12p11.22.
Variant type: Deletion.
Coding change: c.1417_1427del on transcript NM_003622.4 (MANE Select); coding-DNA positions 1417 to 1427, 11 bases deleted (GCTCCGGCAGA).
Protein change: p.Ala473fs; shifts the reading frame from alanine 473.
Molecular consequence: frameshift variant.
Genome position (GRCh38, 1-based): chr12:27,676,434-27,676,444, GCTCCGGCAGA deleted; deleting any 11 consecutive bases within chr12:27,676,430-27,676,444 gives the same sequence; the c. name uses the placement nearest the transcript's 3' end. VCF-style (leftmost placement, unchanged base first): chr12-27676429-ACAGAGCTCCGG-A. GRCh37 (hg19) VCF-style: chr12-27829362-ACAGAGCTCCGG-A.
Other names: c.1009_1019del, p.Ala337fs (NM_001198915.2); c.1375_1385del, p.Ala459fs (NM_001198916.2); c.1468_1478del, p.Ala490fs (NM_177444.3); short protein forms A337fs, A459fs, A473fs, A490fs.
Identifiers: ClinVar variation 1679181 (VCV001679181.1), dbSNP rs2140278432, ClinGen allele CA2573148700.

ClinVar aggregate classification (germline): Pathogenic (1 of 4 stars; one submission).

Conditions:
Microcephaly. Also called: Microcephaly (disease). Identifiers: MedGen C4551563, MONDO:0001149, HP:0000252.
Severe intellectual disability. Identifiers: MedGen C0036857, HP:0010864.
Cerebral calcification. Also called: Cerebral calcifications. Identifiers: MedGen C0270685, HP:0002514.
Seizure. Also called: Seizures. Identifiers: MedGen C0036572, HP:0001250.

Submission:

Institute of Human Genetics, University of Leipzig Medical Center
Classification: Pathogenic for Severe intellectual disability; Seizure; Microcephaly; Cerebral calcification. Last evaluated: 2022-04-14. Review status: criteria provided, single submitter. Criteria: ACMG Guidelines, 2015. Collection method: research. Allele origin: germline. Affected: yes.
Comment: The variant was identified as homozygous. Criteria applied: PVS1, PM2_Supporting, PM3_Supporting

Literature cited by the submitters: DOI doi.org/10.1101/2022.04.04.22273309.